The following is an entry in ClinVar:

ClinVar aggregate classification (germline): Uncertain significance (1 of 4 stars; one submission).

Allele frequency attached by ClinVar (database versions not stated): gnomAD exomes below 0.00001.
gnomAD v4.1: 2 of 1,551,664 alleles (0.00013%); highest among the groups gnomAD compares: South Asian, 0.0024%; no homozygotes.

Submission:

Labcorp Genetics (formerly Invitae), Labcorp
Classification: Uncertain significance. Last evaluated: 2022-03-11. Review status: criteria provided, single submitter. Criteria: Invitae Variant Classification Sherloc (09022015). Collection method: clinical testing. Allele origin: germline.
Comment: This variant has not been reported in the literature in individuals affected with LRIT3-related conditions. This variant is present in population databases (no rsID available, gnomAD 0.009%). Algorithms developed to predict the effect of missense changes on protein structure and function are either unavailable or do not agree on the potential impact of this missense change (SIFT: "Deleterious"; PolyPhen-2: "Probably Damaging"; Align-GVGD: "Class C0"). This sequence change replaces leucine, which is neutral and non-polar, with proline, which is neutral and non-polar, at codon 173 of the LRIT3 protein (p.Leu173Pro). In summary, the available evidence is currently insufficient to determine the role of this variant in disease. Therefore, it has been classified as a Variant of Uncertain Significance.

NM_198506.5(LRIT3):c.518T>C (p.Leu173Pro)

Gene: LRIT3 (leucine rich repeat, Ig-like and transmembrane domains 3; plus strand). Cytogenetic location: 4q25.
Variant type: single nucleotide variant.
Coding change: c.518T>C on transcript NM_198506.5 (MANE Select); coding-DNA position 518, T replaced by C.
Protein change: p.Leu173Pro; replaces leucine 173 with proline.
Molecular consequence: missense variant.
Genome position (GRCh38, 1-based): chr4:109,851,905, T>C. VCF-style: chr4-109851905-T-C. GRCh37 (hg19) VCF-style: chr4-110773061-T-C.
Other names: short protein forms L173P.
Identifiers: ClinVar variation 2109065 (VCV002109065.4), dbSNP rs1163574031, ClinGen allele CA357872329.
Genomic context (GRCh38, chr4:109,851,905, plus strand): 5'-AGAACCTTGCCTACTTGGATTTATCAAGCAACAGACTCACCACATTGCCACCAGATTTCC[T>C]GGAGAGCTGGACTCATTTAGTTTCAACACCTTCTGGAGTCCTGGACCTTTCCCCAAGCAG-3'
Protein context (NP_940908.3, residues 163-183): NRLTTLPPDF[Leu173Pro]ESWTHLVSTP